The following is an entry in ClinVar:

ClinVar aggregate classification (germline): Conflicting classifications of pathogenicity. Review status: criteria provided, conflicting classifications (1 of 4 stars). 3 submissions from 3 submitters: Uncertain significance (2); Likely benign (1). Last evaluated 2024-10-01.

Allele frequency attached by ClinVar (database versions not stated): gnomAD exomes 0.00001; gnomAD 0.00003; TOPMed 0.00004.
gnomAD v4.1: 20 of 1,613,538 alleles (0.0012%); highest among the groups gnomAD compares: Admixed American, 0.0083%; no homozygotes.

Submissions (3):

CeGaT Center for Human Genetics Tuebingen
Classification: Likely benign. Last evaluated: 2024-10-01. Review status: criteria provided, single submitter. Criteria: CeGaT Center For Human Genetics Tuebingen Variant Classification Criteria Version 2. Collection method: clinical testing. Allele origin: germline. Affected: yes. Observed: 1 variant allele.
Comment: FBXW11: PP2, BS2

Women's Health and Genetics/Laboratory Corporation of America, LabCorp
Classification: Uncertain significance. Last evaluated: 2024-09-18. Review status: criteria provided, single submitter. Criteria: LabCorp Variant Classification Summary - May 2015. Collection method: clinical testing. Allele origin: germline.
Comment: Variant summary: FBXW11 c.517C>T (p.Arg173Cys) results in a non-conservative amino acid change in the encoded protein sequence. Four of five in-silico tools predict a damaging effect of the variant on protein function. The variant allele was found at a frequency of 1.2e-05 in 250944 control chromosomes. The available data on variant occurrences in the general population are insufficient to allow any conclusion about variant significance. To our knowledge, no occurrence of c.517C>T in individuals affected with Neurodevelopmental, Jaw, Eye, And Digital Syndrome and no experimental evidence demonstrating its impact on protein function have been reported. ClinVar contains an entry for this variant (Variation ID: 3093826). Based on the evidence outlined above, the variant was classified as uncertain significance.

Ambry Genetics
Classification: Uncertain significance. Last evaluated: 2023-10-10. Review status: criteria provided, single submitter. Criteria: Ambry Variant Classification Scheme 2023. Collection method: clinical testing. Allele origin: germline.

NM_001378974.1(FBXW11):c.580C>T (p.Arg194Cys)

Gene: FBXW11 (F-box and WD repeat domain containing 11; minus strand). Cytogenetic location: 5q35.1.
Variant type: single nucleotide variant.
Coding change: c.580C>T on transcript NM_001378974.1 (MANE Select); coding-DNA position 580, C replaced by T.
Protein change: p.Arg194Cys; replaces arginine 194 with cysteine.
Molecular consequence: missense variant.
Genome position (GRCh38, 1-based): chr5:171,899,957, G>A on the plus strand (C>T on the coding strand, the complement: FBXW11 is on the minus strand). VCF-style: chr5-171899957-G-A. GRCh37 (hg19) VCF-style: chr5-171326961-G-A.
Other names: c.511C>T, p.Arg171Cys (NM_001378975.1); c.484C>T, p.Arg162Cys (NM_001378976.1); c.421C>T, p.Arg141Cys (NM_001378977.1, NM_001378978.1, NM_001378979.1); c.415C>T, p.Arg139Cys (NM_001378980.1, NM_033645.3); c.517C>T, p.Arg173Cys (NM_012300.3); c.478C>T, p.Arg160Cys (NM_033644.3); short protein forms R139C, R141C, R160C, R171C, R173C, R162C, R194C.
Identifiers: ClinVar variation 3093826 (VCV003093826.16), dbSNP rs1045263586, ClinGen allele CA132494088.